The following is an entry in ClinVar:

NM_022051.3(EGLN1):c.602G>A (p.Cys201Tyr)

Gene: EGLN1 (egl-9 family hypoxia inducible factor 1; minus strand). Cytogenetic location: 1q42.2.
Variant type: single nucleotide variant.
Coding change: c.602G>A on transcript NM_022051.3 (MANE Select); coding-DNA position 602, G replaced by A.
Protein change: p.Cys201Tyr; replaces cysteine 201 with tyrosine.
Molecular consequence: missense variant.
Genome position (GRCh38, 1-based): chr1:231,421,287, C>T on the plus strand (G>A on the coding strand, the complement: EGLN1 is on the minus strand). VCF-style: chr1-231421287-C-T. GRCh37 (hg19) VCF-style: chr1-231557033-C-T.
Other names: c.602G>A, p.Cys201Tyr (NM_001377260.1, NM_001377261.1); short protein forms C201Y.
Identifiers: ClinVar variation 3843895 (VCV003843895.1).
Genomic context (GRCh38, chr1:231,421,287, plus strand): 5'-TGCTGTCCGGTCTCCTTGCCGAGGAAGTCGTCCACCACACAGATGCCGTGCTTGTTCATG[C>T]ACGGCACGATGTACTCGAGCGCCAGCTTCAGCGCCGGCAGGGGCTTCGTCTGCCCGTTGG-3'
Protein context (NP_071334.1, residues 191-211): LKLALEYIVP[Cys201Tyr]MNKHGICVVD

ClinVar aggregate classification (germline): Uncertain significance (1 of 4 stars; one submission).

Submission:

Ambry Genetics
Classification: Uncertain significance. Last evaluated: 2025-03-09. Review status: criteria provided, single submitter. Criteria: Ambry Variant Classification Scheme 2023. Collection method: clinical testing. Allele origin: germline.
Comment: The p.C201Y variant (also known as c.602G>A), located in coding exon 1 of the EGLN1 gene, results from a G to A substitution at nucleotide position 602. The cysteine at codon 201 is replaced by tyrosine, an amino acid with highly dissimilar properties. This amino acid position is conserved. In addition, this alteration is predicted to be tolerated by in silico analysis. Based on the available evidence, the clinical significance of this variant remains unclear.